The following is an entry in ClinVar:

ClinVar aggregate classification (germline): Uncertain significance (1 of 4 stars; one submission).

Allele frequency attached by ClinVar (database versions not stated): gnomAD 0.00002; TOPMed 0.00002; ExAC 0.00006; ESP Exome Variant Server 0.00008.

Submission:

Labcorp Genetics (formerly Invitae), Labcorp
Classification: Uncertain significance. Last evaluated: 2022-01-15. Review status: criteria provided, single submitter. Criteria: Invitae Variant Classification Sherloc (09022015). Collection method: clinical testing. Allele origin: germline.
Comment: This sequence change replaces arginine, which is basic and polar, with tryptophan, which is neutral and slightly polar, at codon 282 of the ERCC2 protein (p.Arg282Trp). The frequency data for this variant in the population databases is considered unreliable, as metrics indicate poor data quality at this position in the gnomAD database. This variant has not been reported in the literature in individuals affected with ERCC2-related conditions. Algorithms developed to predict the effect of missense changes on protein structure and function are either unavailable or do not agree on the potential impact of this missense change (SIFT: "Deleterious"; PolyPhen-2: "Possibly Damaging"; Align-GVGD: "Class C0"). In summary, the available evidence is currently insufficient to determine the role of this variant in disease. Therefore, it has been classified as a Variant of Uncertain Significance.

NM_000400.4(ERCC2):c.844C>T (p.Arg282Trp)

Gene: ERCC2 (ERCC excision repair 2, TFIIH core complex helicase subunit; minus strand). Cytogenetic location: 19q13.32.
Variant type: single nucleotide variant.
Coding change: c.844C>T on transcript NM_000400.4 (MANE Select); coding-DNA position 844, C replaced by T.
Protein change: p.Arg282Trp; replaces arginine 282 with tryptophan.
Molecular consequence: missense variant.
Genome position (GRCh38, 1-based): chr19:45,364,091, G>A on the plus strand (C>T on the coding strand, the complement: ERCC2 is on the minus strand). VCF-style: chr19-45364091-G-A. GRCh37 (hg19) VCF-style: chr19-45867349-G-A.
Other names: c.772C>T, p.Arg258Trp (NM_001130867.2); short protein forms R282W, R258W.
Identifiers: ClinVar variation 2176566 (VCV002176566.1), dbSNP rs375415853, ClinGen allele CA9513594.